The following is an entry in ClinVar:

ClinVar aggregate classification (germline): Conflicting classifications of pathogenicity. Review status: criteria provided, conflicting classifications (1 of 4 stars). 6 submissions from 6 submitters: Uncertain significance (3); Likely benign (2). 1 of the submissions does not count toward it. Last evaluated 2026-06-01.

Conditions:
KMT2D-related disorder. Also called: KMT2D-Related Disorders.
Kabuki syndrome 1 (KABUK1). Also called: KMT2D-Related Kabuki Syndrome. Identifiers: Orphanet 2322, MedGen CN030661, MONDO:0007843, OMIM 147920.
Choanal atresia-athelia-hypothyroidism-delayed puberty-short stature syndrome (BCAHH). Also called: BRANCHIAL ARCH ABNORMALITIES, CHOANAL ATRESIA, ATHELIA, HEARING LOSS, AND HYPOTHYROIDISM SYNDROME. Identifiers: Orphanet 589856, MedGen C5680310, MONDO:0035651, OMIM 620186.
Kabuki syndrome. Also called: Kabuki make-up syndrome; NIIKAWA-KUROKI SYNDROME. Identifiers: Orphanet 2322, MedGen C0796004, MONDO:0016512.
Inborn genetic diseases. Identifiers: MedGen C0950123, MeSH D030342.

Submissions (6):

CeGaT Center for Human Genetics Tuebingen
Classification: Likely benign. Last evaluated: 2026-06-01. Review status: criteria provided, single submitter. Criteria: CeGaT Center For Human Genetics Tuebingen Variant Classification Criteria Version 2. Collection method: clinical testing. Allele origin: germline. Affected: yes. Observed: 1 variant allele.
Comment: KMT2D: BS2

Ambry Genetics
Classification: Likely benign for Inborn genetic diseases. Last evaluated: 2026-05-29. Review status: criteria provided, single submitter. Criteria: Ambry Variant Classification Scheme 2023. Collection method: clinical testing. Allele origin: germline.

Labcorp Genetics (formerly Invitae), Labcorp
Classification: Uncertain significance for Kabuki syndrome. Last evaluated: 2025-11-07. Review status: criteria provided, single submitter. Criteria: Invitae Variant Classification Sherloc (09022015). Collection method: clinical testing. Allele origin: germline.
Comment: This variant, c.11717_11752del, results in the deletion of 12 amino acid(s) of the KMT2D protein (p.Leu3906_Gln3917del), but otherwise preserves the integrity of the reading frame. The frequency data for this variant in the population databases is considered unreliable, as metrics indicate poor data quality at this position in the gnomAD database. This variant has not been reported in the literature in individuals affected with KMT2D-related conditions. This variant has been observed in at least one individual who was not affected with KMT2D-related conditions (internal data). ClinVar contains an entry for this variant (Variation ID: 638512). Experimental studies and prediction algorithms are not available or were not evaluated, and the functional significance of this variant is currently unknown. In summary, the available evidence is currently insufficient to determine the role of this variant in disease. Therefore, it has been classified as a Variant of Uncertain Significance.

Genomic Research Center, Shahid Beheshti University of Medical Sciences
Classification: Uncertain significance for Kabuki syndrome 1. Last evaluated: 2019-04-27. Review status: criteria provided, single submitter. Criteria: ACMG Guidelines, 2015. Collection method: clinical testing. Allele origin: unknown. Affected: yes.

Juno Genomics, Hangzhou Juno Genomics, Inc
Classification: Uncertain significance for Choanal atresia-athelia-hypothyroidism-delayed puberty-short stature syndrome; Kabuki syndrome 1. Review status: criteria provided, single submitter. Criteria: ACMG Guidelines, 2015. Collection method: clinical testing. Allele origin: germline.
Comment: Absent from controls (or at extremely low frequency if recessive) in Genome Aggregation Database.;Protein length changes due to in-frame deletions/insertions in a non-repeat region or stop-loss variants.

PreventionGenetics, part of Exact Sciences
Classification: Uncertain significance for KMT2D-related condition. Last evaluated: 2024-01-20. Review status: no assertion criteria provided. Collection method: clinical testing. Allele origin: germline. Not counted in ClinVar's aggregate classification.
Comment: The KMT2D c.11717_11752del36 variant is predicted to result in an in-frame deletion (p.Leu3906_Gln3917del). To our knowledge, this variant has not been reported in the literature. This variant is reported in 0.0050% of alleles in individuals of European (Non-Finnish) descent in gnomAD. At this time, the clinical significance of this variant is uncertain due to the absence of conclusive functional and genetic evidence.

NM_003482.4(KMT2D):c.11717_11752del (p.3900LQQQQQ[1])

Gene: KMT2D (lysine methyltransferase 2D; minus strand). Cytogenetic location: 12q13.12.
Variant type: Deletion.
Coding change: c.11717_11752del on transcript NM_003482.4 (MANE Select); coding-DNA positions 11717 to 11752, 36 bases deleted.
Protein change: p.3900LQQQQQ[1].
Molecular consequence: inframe deletion. On other transcripts: inframe indel (1).
Genome position (GRCh38, 1-based): chr12:49,032,953-49,032,988, 36 bases deleted; deleting any 36 consecutive bases within chr12:49,032,953-49,033,007 gives the same sequence; the c. name uses the placement nearest the transcript's 3' end. GRCh37 (hg19): chr12:49,426,755-49,426,790.
Other names: c.11717_11752del36 (NM_003482.3).
Identifiers: ClinVar variation 638512 (VCV000638512.13), dbSNP rs1415174573, ClinGen allele CA479708569.
Genomic context (GRCh38, chr12:49,032,952, plus strand): 5'-TGCTGCTGTTGCTGCTGTTGAAGCTGTTGCTGCTGAAGTTGCTGTTGCTGTTGTAGCTGC[TGCTGCTGCTGCTGCTGAAGTTGCTGTTGCTGTTGCA>T]GCTGCTGCTGCTGCTGAAGCTGCTGTAAAGAGCCCATGGGCTGAGCGCTCAGTTTGGGCT-3'